The following is an entry in ClinVar:

ClinVar aggregate classification (germline): Uncertain significance (1 of 4 stars; one submission).

Conditions:
Marfan syndrome (MFS). Also called: MARFAN SYNDROME, TYPE I; Marfan syndrome type 1; Marfan's syndrome; Marfan syndrome, classic; FBN1-Related Marfan Syndrome. Identifiers: Orphanet 284963, Orphanet 558, MedGen C0024796, MONDO:0007947, OMIM 154700.
Familial thoracic aortic aneurysm and aortic dissection (TAAD). Also called: Thoracic aortic aneurysms and dissections. Identifiers: Orphanet 91387, MedGen C4707243, MONDO:0019625.

Submission:

Labcorp Genetics (formerly Invitae), Labcorp
Classification: Uncertain significance for Marfan syndrome; Familial thoracic aortic aneurysm and aortic dissection. Last evaluated: 2024-10-30. Review status: criteria provided, single submitter. Criteria: Invitae Variant Classification Sherloc (09022015). Collection method: clinical testing. Allele origin: germline.
Comment: This sequence change replaces serine, which is neutral and polar, with cysteine, which is neutral and slightly polar, at codon 2030 of the FBN1 protein (p.Ser2030Cys). This variant is not present in population databases (gnomAD no frequency). This variant has not been reported in the literature in individuals affected with FBN1-related conditions. Invitae Evidence Modeling of protein sequence and biophysical properties (such as structural, functional, and spatial information, amino acid conservation, physicochemical variation, residue mobility, and thermodynamic stability) indicates that this missense variant is expected to disrupt FBN1 protein function with a positive predictive value of 80%. In summary, the available evidence is currently insufficient to determine the role of this variant in disease. Therefore, it has been classified as a Variant of Uncertain Significance.

NM_000138.5(FBN1):c.6088A>T (p.Ser2030Cys)

Gene: FBN1 (fibrillin 1; minus strand). Cytogenetic location: 15q21.1.
Variant type: single nucleotide variant.
Coding change: c.6088A>T on transcript NM_000138.5 (MANE Select); coding-DNA position 6088, A replaced by T.
Protein change: p.Ser2030Cys; replaces serine 2030 with cysteine.
Molecular consequence: missense variant.
Genome position (GRCh38, 1-based): chr15:48,441,796, T>A on the plus strand (A>T on the coding strand, the complement: FBN1 is on the minus strand). VCF-style: chr15-48441796-T-A. GRCh37 (hg19) VCF-style: chr15-48733993-T-A.
Other names: c.6088A>T, p.Ser2030Cys (NM_001406716.1); short protein forms S2030C.
Identifiers: ClinVar variation 3754057 (VCV003754057.2).